The following is an entry in ClinVar:

NM_001377299.1(NDUFS2):c.514+11C>G

Gene: NDUFS2 (NADH:ubiquinone oxidoreductase core subunit S2; plus strand). Cytogenetic location: 1q23.3.
Variant type: single nucleotide variant.
Coding change: c.514+11C>G on transcript NM_001377299.1 (MANE Select); 11 bases into the intron after coding-DNA position 514, C replaced by G.
Molecular consequence: intron variant.
Genome position (GRCh38, 1-based): chr1:161,209,324, C>G. VCF-style: chr1-161209324-C-G. GRCh37 (hg19) VCF-style: chr1-161179114-C-G.
Other names: c.514+11C>G (NM_001377300.1, NM_001377298.1, NM_001377301.1 and 3 more transcripts).
Identifiers: ClinVar variation 389800 (VCV000389800.1), dbSNP rs76309459, ClinGen allele CA1208585.

ClinVar aggregate classification (germline): Likely benign (1 of 4 stars; one submission).

gnomAD v4.1: 23 of 1,614,024 alleles (0.0014%); highest among the groups gnomAD compares: East Asian, 0.047%; no homozygotes.

Submission:

GeneDx
Classification: Likely benign. Last evaluated: 2016-10-14. Review status: criteria provided, single submitter. Criteria: GeneDx Variant Classification (06012015). Collection method: clinical testing. Allele origin: germline. Affected: yes.
Comment: This variant is considered likely benign or benign based on one or more of the following criteria: it is a conservative change, it occurs at a poorly conserved position in the protein, it is predicted to be benign by multiple in silico algorithms, and/or has population frequency not consistent with disease.